The following is an entry in ClinVar:

NM_017654.4(SAMD9):c.1118G>A (p.Arg373Lys)

Gene: SAMD9 (sterile alpha motif domain containing 9; minus strand). Cytogenetic location: 7q21.2.
Variant type: single nucleotide variant.
Coding change: c.1118G>A on transcript NM_017654.4 (MANE Select); coding-DNA position 1118, G replaced by A.
Protein change: p.Arg373Lys; replaces arginine 373 with lysine.
Molecular consequence: missense variant.
Genome position (GRCh38, 1-based): chr7:93,104,980, C>T on the plus strand (G>A on the coding strand, the complement: SAMD9 is on the minus strand). VCF-style: chr7-93104980-C-T. GRCh37 (hg19) VCF-style: chr7-92734293-C-T.
Other names: c.1118G>A, p.Arg373Lys (NM_001193307.2); short protein forms R373K.
Identifiers: ClinVar variation 3792137 (VCV003792137.2).
Genomic context (GRCh38, chr7:93,104,980, plus strand): 5'-TTTGGTCCCTCTCTTTCTTTTTTATTTGTTTTTGCTCTGAATTTTTCTTCTGCTGCTTTT[C>T]TGGACTCTGCCAGTGTTTTAAAATCTGCTTTAAATGCTCTGAAATCAACTTTATTTTTCG-3'
Protein context (NP_060124.2, residues 363-383): KADFKTLAES[Arg373Lys]KAAEEKFRAK

ClinVar aggregate classification (germline): Uncertain significance. Review status: criteria provided, multiple submitters, no conflicts (2 of 4 stars). 2 submissions from 2 submitters: Uncertain significance (2). Last evaluated 2025-05-01.

Conditions:
Inborn genetic diseases. Identifiers: MedGen C0950123, MeSH D030342.

gnomAD v4.1: 2 of 1,612,878 alleles (0.00012%); highest among the groups gnomAD compares: East Asian, 0.0045%; no homozygotes.

Submissions (2):

Labcorp Genetics (formerly Invitae), Labcorp
Classification: Uncertain significance. Last evaluated: 2025-05-01. Review status: criteria provided, single submitter. Criteria: Invitae Variant Classification Sherloc (09022015). Collection method: clinical testing. Allele origin: germline.
Comment: This sequence change replaces arginine, which is basic and polar, with lysine, which is basic and polar, at codon 373 of the SAMD9 protein (p.Arg373Lys). This variant is present in population databases (rs779529107, gnomAD 0.02%). This variant has not been reported in the literature in individuals affected with SAMD9-related conditions. Invitae Evidence Modeling of protein sequence and biophysical properties (such as structural, functional, and spatial information, amino acid conservation, physicochemical variation, residue mobility, and thermodynamic stability) has been performed for this missense variant. However, the output from this modeling did not meet the statistical confidence thresholds required to predict the impact of this variant on SAMD9 protein function. In summary, the available evidence is currently insufficient to determine the role of this variant in disease. Therefore, it has been classified as a Variant of Uncertain Significance.

Ambry Genetics
Classification: Uncertain significance for Inborn genetic diseases. Last evaluated: 2025-03-01. Review status: criteria provided, single submitter. Criteria: Ambry Variant Classification Scheme 2023. Collection method: clinical testing. Allele origin: germline.
Comment: The p.R373K variant (also known as c.1118G>A), located in coding exon 1 of the SAMD9 gene, results from a G to A substitution at nucleotide position 1118. The arginine at codon 373 is replaced by lysine, an amino acid with highly similar properties. This amino acid position is conserved. In addition, this alteration is predicted to be tolerated by in silico analysis. Based on the available evidence, the clinical significance of this variant remains unclear.